The following is an entry in ClinVar:

ClinVar aggregate classification (germline): Uncertain significance (1 of 4 stars; one submission).

Conditions:
Emery-Dreifuss muscular dystrophy 5, autosomal dominant (EDMD5). Also called: EMERY-DREIFUSS MUSCULAR DYSTROPHY 5. Identifiers: Orphanet 261, MedGen C2751805, MONDO:0013072, OMIM 612999.

Allele frequency attached by ClinVar (database versions not stated): gnomAD exomes below 0.00001.
gnomAD v4.1: 2 of 1,614,090 alleles (0.00012%); highest among the groups gnomAD compares: Non-Finnish European, 0.00017%; no homozygotes.

Submission:

Labcorp Genetics (formerly Invitae), Labcorp
Classification: Uncertain significance for Emery-Dreifuss muscular dystrophy 5, autosomal dominant. Last evaluated: 2022-07-06. Review status: criteria provided, single submitter. Criteria: Invitae Variant Classification Sherloc (09022015). Collection method: clinical testing. Allele origin: germline.
Comment: This variant has not been reported in the literature in individuals affected with SYNE2-related conditions. In summary, the available evidence is currently insufficient to determine the role of this variant in disease. Therefore, it has been classified as a Variant of Uncertain Significance. Algorithms developed to predict the effect of sequence changes on RNA splicing suggest that this variant may create or strengthen a splice site. ClinVar contains an entry for this variant (Variation ID: 1478634). This variant is not present in population databases (gnomAD no frequency). This sequence change creates a premature translational stop signal (p.Gln6185*) in the SYNE2 gene. It is expected to result in an absent or disrupted protein product. However, the current clinical and genetic evidence is not sufficient to establish whether loss-of-function variants in SYNE2 cause disease.

NM_182914.3(SYNE2):c.18553C>T (p.Gln6185Ter)

Gene: SYNE2 (spectrin repeat containing nuclear envelope protein 2; plus strand). Cytogenetic location: 14q23.2.
Variant type: single nucleotide variant.
Coding change: c.18553C>T on transcript NM_182914.3 (MANE Select); coding-DNA position 18553, C replaced by T.
Protein change: p.Gln6185Ter; replaces glutamine 6185 with a stop codon.
Molecular consequence: nonsense.
Genome position (GRCh38, 1-based): chr14:64,209,954, C>T. VCF-style: chr14-64209954-C-T. GRCh37 (hg19) VCF-style: chr14-64676672-C-T.
Other names: c.18553C>T, p.Gln6185Ter (NM_015180.6); short protein forms Q6185*.
Identifiers: ClinVar variation 1478634 (VCV001478634.6), dbSNP rs1171077128, ClinGen allele CA389950734.